The following is an entry in ClinVar:

NM_001303.4(COX10):c.695+130A>C

Gene: COX10 (cytochrome c oxidase assembly factor heme A:farnesyltransferase COX10; plus strand). Cytogenetic location: 17p12.
Variant type: single nucleotide variant.
Coding change: c.695+130A>C on transcript NM_001303.4 (MANE Select); 130 bases into the intron after coding-DNA position 695, A replaced by C.
Molecular consequence: intron variant.
Genome position (GRCh38, 1-based): chr17:14,160,077, A>C. VCF-style: chr17-14160077-A-C. GRCh37 (hg19) VCF-style: chr17-14063394-A-C.
Identifiers: ClinVar variation 676281 (VCV000676281.2), dbSNP rs78809149, ClinGen allele CA288745535.

ClinVar aggregate classification (germline): Benign. Review status: criteria provided, multiple submitters, no conflicts (2 of 4 stars). 2 submissions from 2 submitters: Benign (2). Last evaluated 2018-06-14.

Allele frequency attached by ClinVar (database versions not stated): TOPMed 0.14845; 1000 Genomes Project 0.17272; 1000 Genomes Project 30x 0.17473; gnomAD 0.13748 and 0.14003.
gnomAD v4.1: 67,690 of 794,520 alleles (8.5%); highest among the groups gnomAD compares: African/African-American, 33%; 5,530 homozygotes.

Submissions (2):

GeneDx
Classification: Benign. Last evaluated: 2018-06-14. Review status: criteria provided, single submitter. Criteria: GeneDx Variant Classification (06012015). Collection method: clinical testing. Allele origin: germline. Affected: yes.
Comment: This variant is considered likely benign or benign based on one or more of the following criteria: it is a conservative change, it occurs at a poorly conserved position in the protein, it is predicted to be benign by multiple in silico algorithms, and/or has population frequency not consistent with disease.

Breakthrough Genomics
Classification: Benign. Review status: criteria provided, single submitter. Criteria: ACMG Guidelines, 2015. Collection method: not provided. Allele origin: germline. Inheritance: Autosomal recessive inheritance. Affected: yes.